The following is an entry in ClinVar:

ClinVar aggregate classification (germline): Likely benign. Review status: criteria provided, multiple submitters, no conflicts (2 of 4 stars). 2 submissions from 2 submitters: Likely benign (2). Last evaluated 2025-11-17.

Conditions:
Hereditary nonpolyposis colorectal neoplasms. Identifiers: MedGen C0009405, MeSH D003123.
Lynch syndrome 4 (LYNCH4). Also called: Colorectal cancer, hereditary nonpolyposis, type 4; Hereditary non-polyposis colorectal cancer, type 4. Identifiers: Orphanet 144, MedGen C1838333, MONDO:0013699, OMIM 614337. Disease mechanism: loss of function.

Submissions (2):

Labcorp Genetics (formerly Invitae), Labcorp
Classification: Likely benign for Hereditary nonpolyposis colorectal neoplasms. Last evaluated: 2025-11-17. Review status: criteria provided, single submitter. Criteria: Invitae Variant Classification Sherloc (09022015). Collection method: clinical testing. Allele origin: germline.

Myriad Genetics, Inc.
Classification: Likely benign for Lynch syndrome 4. Last evaluated: 2025-02-03. Review status: criteria provided, single submitter. Criteria: Myriad Autosomal Dominant, Autosomal Recessive and X-Linked Classification Criteria (2023). Collection method: clinical testing. Allele origin: unknown.
Comment: This variant is considered likely benign. This variant is intronic and is not expected to impact mRNA splicing.

NM_000535.7(PMS2):c.2007-18A>G

Gene: PMS2 (PMS1 homolog 2, mismatch repair system component; minus strand). Cytogenetic location: 7p22.1.
Variant type: single nucleotide variant.
Coding change: c.2007-18A>G on transcript NM_000535.7 (MANE Select); 18 bases into the intron before coding-DNA position 2007, A replaced by G.
Molecular consequence: intron variant.
Genome position (GRCh38, 1-based): chr7:5,983,009, T>C on the plus strand (A>G on the coding strand, the complement: PMS2 is on the minus strand). VCF-style: chr7-5983009-T-C. GRCh37 (hg19) VCF-style: chr7-6022640-T-C.
Other names: c.1689-18A>G (NM_001322008.2, NM_001322007.2); c.1446-18A>G (NM_001322010.2); c.1602-18A>G (NM_001322004.2, NM_001322003.2, NM_001322009.2 and 1 more transcripts); c.1434-18A>G (NM_001322013.2); c.1074-18A>G (NM_001322012.2, NM_001322011.2); c.1698-18A>G (NM_001322015.2); c.1851-18A>G (NM_001322006.2); c.2007-18A>G (NM_001322014.2).
Identifiers: ClinVar variation 2168343 (VCV002168343.5), dbSNP rs2535558398, ClinGen allele CA2580076851.